The following is an entry in ClinVar:

Conditions:
Breast-ovarian cancer, familial, susceptibility to, 1 (BROVCA1). Also called: BRCA1 Hereditary Breast and Ovarian Cancer; OVARIAN CANCER, SUSCEPTIBILITY TO. Identifiers: Orphanet 145, MedGen C2676676, MONDO:0011450, OMIM 604370. Disease mechanism: loss of function.

Submission:

Brotman Baty Institute, University of Washington
No classification provided (evidence only). Condition: Breast-ovarian cancer, familial 1. Review status: no classification provided. Collection method: in vitro. Allele origin: not applicable. Functional consequence: functionally_normal.
ClinVar note: "not provided" was previously submitted as the classification for the variant. However, the classification appeared to be based only on an observation of functional data so it was converted to no classification on 2025-07-30.

NM_007294.4(BRCA1):c.-12G>T

Gene: BRCA1 (BRCA1 DNA repair associated; minus strand). Cytogenetic location: 17q21.31.
Variant type: single nucleotide variant.
Coding change: c.-12G>T on transcript NM_007294.4 (MANE Select); 12 bases upstream of the start codon, G replaced by T.
Molecular consequence: 5 prime UTR variant. On other transcripts: non-coding transcript variant (1).
Genome position (GRCh38, 1-based): chr17:43,124,108, C>A on the plus strand (G>T on the coding strand, the complement: BRCA1 is on the minus strand). VCF-style: chr17-43124108-C-A. GRCh37 (hg19) VCF-style: chr17-41276125-C-A.
Other names: c.-272G>T (NM_001408462.1, NM_001408463.1, NM_001408466.1 and 22 more transcripts); c.-99G>T (NM_001408464.1, NM_001408467.1, NM_001408496.1 and 21 more transcripts); c.-273G>T (NM_001408465.1, NM_001407695.1); c.-269G>T (NM_001408468.1, NM_001408501.1, NM_001407694.1 and 11 more transcripts); c.-12G>T (NM_001408472.1, NM_001408473.1, NM_001408474.1 and 169 more transcripts); c.-200G>T (NM_001408478.1, NM_001408479.1, NM_001408480.1 and 42 more transcripts); c.-345G>T (NM_001408482.1); c.-316G>T (NM_001408492.1, NM_001407889.1); and 8 more.
Identifiers: ClinVar variation 864962 (VCV000864962.3), dbSNP rs772037778, ClinGen allele CA916081159.